The following is an entry in ClinVar:

NM_000271.5(NPC1):c.1948-5C>T

Gene: NPC1 (NPC intracellular cholesterol transporter 1; minus strand). Cytogenetic location: 18q11.2.
Variant type: single nucleotide variant.
Coding change: c.1948-5C>T on transcript NM_000271.5 (MANE Select); 5 bases into the intron before coding-DNA position 1948, C replaced by T.
Molecular consequence: intron variant.
Genome position (GRCh38, 1-based): chr18:23,544,531, G>A on the plus strand (C>T on the coding strand, the complement: NPC1 is on the minus strand). VCF-style: chr18-23544531-G-A. GRCh37 (hg19) VCF-style: chr18-21124495-G-A.
Other names: c.1948-5C>T (NM_000271.4).
Identifiers: ClinVar variation 1130915 (VCV001130915.11), dbSNP rs778035488, ClinGen allele CA8913256.

ClinVar aggregate classification (germline): Likely benign. Review status: criteria provided, single submitter (1 of 4 stars). 2 submissions from 2 submitters: Likely benign (1). 1 of the submissions does not count toward it. Last evaluated 2025-10-10.

Conditions:
Niemann-Pick disease, type C1. Also called: NEUROVISCERAL STORAGE DISEASE WITH VERTICAL SUPRANUCLEAR OPHTHALMOPLEGIA; NIEMANN-PICK DISEASE WITH CHOLESTEROL ESTERIFICATION BLOCK; NIEMANN-PICK DISEASE WITHOUT SPHINGOMYELINASE DEFICIENCY; NIEMANN-PICK DISEASE, CHRONIC NEURONOPATHIC FORM; NIEMANN-PICK DISEASE, VARIANT TYPE C1. Identifiers: Orphanet 646, MedGen C3179455, MONDO:0009757, OMIM 257220.
NPC1-related disorder. Also called: NPC1-related condition.

Allele frequency attached by ClinVar (database versions not stated): gnomAD exomes 0.00001 and 0.00002; TOPMed 0.00001; ExAC 0.00002.
gnomAD v4.1: 7 of 1,614,028 alleles (0.00043%); highest among the groups gnomAD compares: Admixed American, 0.01%; no homozygotes.

Submissions (2):

Labcorp Genetics (formerly Invitae), Labcorp
Classification: Likely benign for Niemann-Pick disease, type C1. Last evaluated: 2025-10-10. Review status: criteria provided, single submitter. Criteria: Invitae Variant Classification Sherloc (09022015). Collection method: clinical testing. Allele origin: germline.

PreventionGenetics, part of Exact Sciences
Classification: Likely benign for NPC1-related condition. Last evaluated: 2022-03-18. Review status: no assertion criteria provided. Collection method: clinical testing. Allele origin: germline. Not counted in ClinVar's aggregate classification.
Comment: This variant is classified as likely benign based on ACMG/AMP sequence variant interpretation guidelines (Richards et al. 2015 PMID: 25741868, with internal and published modifications).